The following is an entry in ClinVar:

ClinVar aggregate classification (germline): Uncertain significance (1 of 4 stars; one submission).

Conditions:
Familial long QT syndrome (RWS). Also called: Romano-Ward syndrome; VENTRICULAR FIBRILLATION WITH PROLONGED QT INTERVAL; Congenital long QT syndrome. Identifiers: Orphanet 768, MedGen C1141890, MONDO:0019171.

Submissions (2):

Genetics and Genomics Program, Sidra Medicine
Classification: Uncertain significance for Isolated congenital long QT syndrome. Last evaluated: 2025-01-05. Review status: criteria provided, single submitter. Criteria: ACMG Guidelines, 2015. Collection method: research. Allele origin: unknown. Affected: yes.
Comment: The c.1247A>G missense variant in PFKFB1 is absent from population databases such as gnomAD (PM2). In silico predictions support a benign effect on the protein, fulfilling BP4. However, there is insufficient evidence to determine the clinical significance of this variant. As a result, it is classified as a VUS (ACMG codes: PM2, BP4).

Dr. Peter K. Rogan Lab, Western University
No classification provided (evidence only). Condition: Nonpapillary renal cell carcinoma. Review status: no classification provided. Collection method: in vitro. Allele origin: not applicable. Functional consequence: retained intron. Not counted in ClinVar's aggregate classification.

NM_002625.4(PFKFB1):c.1247A>G (p.Lys416Arg)

Gene: PFKFB1 (6-phosphofructo-2-kinase/fructose-2,6-biphosphatase 1; minus strand). Cytogenetic location: Xp11.21.
Variant type: single nucleotide variant.
Coding change: c.1247A>G on transcript NM_002625.4 (MANE Select); coding-DNA position 1247, A replaced by G.
Protein change: p.Lys416Arg; replaces lysine 416 with arginine.
Molecular consequence: missense variant. On other transcripts: non-coding transcript variant (1).
Genome position (GRCh38, 1-based): chrX:54,934,991, T>C on the plus strand (A>G on the coding strand, the complement: PFKFB1 is on the minus strand). VCF-style: chrX-54934991-T-C. GRCh37 (hg19) VCF-style: chrX-54961424-T-C.
Other names: NC_000023.10:g.54961424T>C; c.1181A>G, p.Lys394Arg (NM_001271804.2); c.1052A>G, p.Lys351Arg (NM_001271805.2); short protein forms K351R, K394R, K416R.
Identifiers: ClinVar variation 3897939 (VCV003897939.2).